The following is an entry in ClinVar:

NM_000548.5(TSC2):c.975+2T>C

Gene: TSC2 (TSC complex subunit 2; plus strand). Cytogenetic location: 16p13.3.
Variant type: single nucleotide variant.
Coding change: c.975+2T>C on transcript NM_000548.5 (MANE Select); the canonical splice donor site of the intron after coding-DNA position 975, T replaced by C.
Molecular consequence: splice donor variant.
Genome position (GRCh38, 1-based): chr16:2,058,875, T>C. VCF-style: chr16-2058875-T-C. GRCh37 (hg19) VCF-style: chr16-2108876-T-C.
Other names: c.975+2T>C (NM_001114382.3, NM_001406663.1, NM_001406664.1 and 6 more transcripts); c.-338+2T>C (NM_001406694.1, NM_001406695.1); c.-457+2T>C (NM_001406696.1, NM_001406693.1, NM_001406689.1 and 4 more transcripts); c.963+2T>C (NM_001406671.1, NM_001406673.1); c.513+2T>C (NM_001406681.1); c.864+2T>C (NM_001406670.1, NM_001318827.2, NM_001406678.1); c.375+2T>C (NM_001406682.1, NM_001406684.1, NM_001406685.1 and 6 more transcripts); c.918+2T>C (NM_001406677.1); and 4 more.
Identifiers: ClinVar variation 1074350 (VCV001074350.11), dbSNP rs2151110209, ClinGen allele CA394315918.
Genomic context (GRCh38, chr16:2,058,875, plus strand): 5'-CCCACCGGCTCTATTCTCTCAGGAACTCGCCGACATCTGTGTTGCCATCATTTTACCAGG[T>C]AAGGCGGTTTCTGTGTGCAGTGAGCTGGCAGGAACGGGAGAGCTCCCCTCACGCCTGCCC-3'

ClinVar aggregate classification (germline): Pathogenic. Review status: criteria provided, multiple submitters, no conflicts (2 of 4 stars). 2 submissions from 2 submitters: Pathogenic (2). Last evaluated 2022-06-02.

Conditions:
Hereditary cancer-predisposing syndrome. Also called: Neoplastic Syndromes, Hereditary; Hereditary neoplastic syndrome; Tumor predisposition; Hereditary Cancer Syndrome. Identifiers: Orphanet 140162, MedGen C0027672, MeSH D009386, MONDO:0015356.
Tuberous sclerosis 2 (TSC2). Identifiers: Orphanet 805, MedGen C1860707, MONDO:0013199, OMIM 613254.

Submissions (2):

Ambry Genetics
Classification: Pathogenic for Hereditary cancer-predisposing syndrome. Last evaluated: 2022-06-02. Review status: criteria provided, single submitter. Criteria: Ambry Variant Classification Scheme 2023. Collection method: clinical testing. Allele origin: germline.
Comment: The c.975+2T>C intronic pathogenic mutation results from a T to C substitution two nucleotides after coding exon 9 in the TSC2 gene. This alteration has been observed in several individuals with a personal and/or family history that is consistent with TSC2-related disease (Ambry internal data and personal communication). This nucleotide position is highly conserved in available vertebrate species. In silico splice site analysis predicts that this alteration will weaken the native splice donor site. In addition to the available clinical data, alterations that disrupt the canonical splice site are expected to cause aberrant splicing, resulting in an abnormal protein or a transcript that is subject to nonsense-mediated mRNA decay. As such, this alteration is classified as a disease-causing mutation.

Labcorp Genetics (formerly Invitae), Labcorp
Classification: Pathogenic for Tuberous sclerosis 2. Last evaluated: 2021-01-18. Review status: criteria provided, single submitter. Criteria: Invitae Variant Classification Sherloc (09022015). Collection method: clinical testing. Allele origin: germline.
Comment: Disruption of this splice site has been observed in individual(s) affected with clinical features of tuberous sclerosis complex (PMID: 23254740, 28968464, Invitae). This variant is not present in population databases (ExAC no frequency). This sequence change affects a donor splice site in intron 10 of the TSC2 gene. It is expected to disrupt RNA splicing. Variants that disrupt the donor or acceptor splice site typically lead to a loss of protein function (PMID: 16199547), and loss-of-function variants in TSC2 are known to be pathogenic (PMID: 10205261, 17304050). Algorithms developed to predict the effect of sequence changes on RNA splicing suggest that this variant may disrupt the consensus splice site, but this prediction has not been confirmed by published transcriptional studies. For these reasons, this variant has been classified as Pathogenic.

Literature cited by the submitters: PubMed 23254740 (cited by Labcorp Genetics (formerly Invitae), Labcorp); PubMed 28968464 (cited by Labcorp Genetics (formerly Invitae), Labcorp); PubMed 16199547 (cited by Labcorp Genetics (formerly Invitae), Labcorp); PubMed 10205261 (cited by Labcorp Genetics (formerly Invitae), Labcorp); PubMed 17304050 (cited by Labcorp Genetics (formerly Invitae), Labcorp).